The following is an entry in ClinVar:

NM_002617.4(PEX10):c.817T>G (p.Cys273Gly)

Gene: PEX10 (peroxisomal biogenesis factor 10; minus strand). Cytogenetic location: 1p36.32.
Variant type: single nucleotide variant.
Coding change: c.817T>G on transcript NM_002617.4 (MANE Select); coding-DNA position 817, T replaced by G.
Protein change: p.Cys273Gly; replaces cysteine 273 with glycine.
Molecular consequence: missense variant. On other transcripts: non-coding transcript variant (1).
Genome position (GRCh38, 1-based): chr1:2,406,579, A>C on the plus strand (T>G on the coding strand, the complement: PEX10 is on the minus strand). VCF-style: chr1-2406579-A-C. GRCh37 (hg19) VCF-style: chr1-2338018-A-C.
Other names: c.874T>G, p.Cys292Gly (NM_001374425.1); c.442T>G, p.Cys148Gly (NM_001374426.1); c.385T>G, p.Cys129Gly (NM_001374427.1); c.877T>G, p.Cys293Gly (NM_153818.2); short protein forms C148G, C273G, C292G, C129G, C293G.
Identifiers: ClinVar variation 1520151 (VCV001520151.6), dbSNP rs747389749, ClinGen allele CA337984569.
Genomic context (GRCh38, chr1:2,406,579, plus strand): 5'-AGAACAGGTGGCCGCAGGGCGTGGCTGTTGGGTGCCTGCGCTCCTCCAGGCACAGGGTGC[A>C]CAGGGGGTTTCTGGAAACGGCTCTCTCCTCCAAGGAGGCCCTGGGGAAGGTGGGGCAGAG-3'
Protein context (NP_002608.1, residues 263-283): EERAVSRNPL[Cys273Gly]TLCLEERRHP

ClinVar aggregate classification (germline): Uncertain significance (1 of 4 stars; one submission).

Conditions:
Peroxisome biogenesis disorder, complementation group 7 (CG7). Also called: Peroxisome biogenesis disorder, complementation group B. Identifiers: MedGen C1864399.

Submission:

Labcorp Genetics (formerly Invitae), Labcorp
Classification: Uncertain significance for Peroxisome biogenesis disorder, complementation group 7. Last evaluated: 2023-10-03. Review status: criteria provided, single submitter. Criteria: Invitae Variant Classification Sherloc (09022015). Collection method: clinical testing. Allele origin: germline.
Comment: This sequence change replaces cysteine, which is neutral and slightly polar, with glycine, which is neutral and non-polar, at codon 293 of the PEX10 protein (p.Cys293Gly). This variant is not present in population databases (gnomAD no frequency). This variant has not been reported in the literature in individuals affected with PEX10-related conditions. ClinVar contains an entry for this variant (Variation ID: 1520151). An algorithm developed to predict the effect of missense changes on protein structure and function (PolyPhen-2) suggests that this variant is likely to be disruptive. In summary, the available evidence is currently insufficient to determine the role of this variant in disease. Therefore, it has been classified as a Variant of Uncertain Significance.